The following is an entry in ClinVar:

NM_004415.4(DSP):c.2121C>T (p.Asn707=)

Gene: DSP (desmoplakin; plus strand). Cytogenetic location: 6p24.3.
Variant type: single nucleotide variant.
Coding change: c.2121C>T on transcript NM_004415.4 (MANE Select); coding-DNA position 2121, C replaced by T.
Protein change: p.Asn707=; no amino-acid change (asparagine 707 retained).
Molecular consequence: synonymous variant.
Genome position (GRCh38, 1-based): chr6:7,572,059, C>T. VCF-style: chr6-7572059-C-T. GRCh37 (hg19) VCF-style: chr6-7572292-C-T.
Other names: c.2121C>T, p.Asn707= (NM_001008844.3, NM_001319034.2); c.2121C>T (NM_004415.3).
Identifiers: ClinVar variation 188462 (VCV000188462.55), dbSNP rs368590198, ClinGen allele CA005259.

ClinVar aggregate classification (germline): Likely benign. Review status: criteria provided, multiple submitters, no conflicts (2 of 4 stars). 12 submissions from 12 submitters: Likely benign (10). 2 of the submissions do not count toward it. Last evaluated 2026-04-27.

Conditions:
Cardiovascular phenotype. Identifiers: MedGen CN230736.
DSP-related disorder. Also called: DSP-related condition; DSP-related disorders.
Arrhythmogenic cardiomyopathy with wooly hair and keratoderma. Also called: Dilated cardiomyopathy with woolly hair and keratoderma; Arrhythmogenic cardiomyopathy with woolly hair and keratoderma; PALMOPLANTAR KERATODERMA WITH LEFT VENTRICULAR CARDIOMYOPATHY AND WOOLLY HAIR; Carvajal syndrome. Identifiers: Orphanet 65282, MedGen C1854063, MONDO:0011581, OMIM 605676.
Arrhythmogenic right ventricular dysplasia 8 (ARVD8). Also called: ARRHYTHMOGENIC RIGHT VENTRICULAR CARDIOMYOPATHY 8; Arrhythmogenic Right Ventricular Dysplasia/Cardiomyopathy 8; ARRHYTHMOGENIC RIGHT VENTRICULAR DYSPLASIA, FAMILIAL, 8. Identifiers: MedGen C1843896, MONDO:0011831, OMIM 607450.
Cardiomyopathy (CMYO). Also called: Cardiomyopathies. Identifiers: Orphanet 167848, MedGen C0878544, MONDO:0004994, HP:0001638. Inheritance: Various modes of inheritance.

Allele frequency attached by ClinVar (database versions not stated): gnomAD exomes 0.00014 and 0.00020; ESP Exome Variant Server 0.00015; gnomAD 0.00017; TOPMed 0.00017; ExAC 0.00021.
gnomAD v4.1: 309 of 1,613,888 alleles (0.019%); highest among the groups gnomAD compares: Non-Finnish European, 0.025%; no homozygotes.

Submissions (12):

PreventionGenetics, part of Exact Sciences
Classification: Likely benign for DSP-related condition. Last evaluated: 2026-04-27. Review status: criteria provided, single submitter. Criteria: ACMG Guidelines, 2015. Collection method: clinical testing. Allele origin: germline.
Comment: This variant is classified as likely benign based on ACMG/AMP sequence variant interpretation guidelines (Richards et al. 2015 PMID: 25741868, with internal and published modifications).

Labcorp Genetics (formerly Invitae), Labcorp
Classification: Likely benign for Arrhythmogenic cardiomyopathy with wooly hair and keratoderma; Arrhythmogenic right ventricular dysplasia 8. Last evaluated: 2026-01-05. Review status: criteria provided, single submitter. Criteria: Invitae Variant Classification Sherloc (09022015). Collection method: clinical testing. Allele origin: germline.

Blueprint Genetics
Classification: Likely benign. Last evaluated: 2024-10-14. Review status: criteria provided, single submitter. Criteria: ACMG Guidelines, 2015. Collection method: clinical testing. Allele origin: germline.

All of Us Research Program, National Institutes of Health
Classification: Likely benign for Arrhythmogenic cardiomyopathy with wooly hair and keratoderma. Last evaluated: 2024-01-11. Review status: criteria provided, single submitter. Criteria: ACMG Guidelines, 2015. Collection method: clinical testing. Allele origin: germline. Inheritance: Autosomal dominant inheritance. Observed: 50 variant alleles, 49 heterozygotes, 1 homozygote.
Comment: This study involves interpretation of variants in research participants for the purpose of population health screening. Participant phenotype was not available at the time of variant classification. Additional details can be found in publication PMID: 35346344, PMCID: PMC8962531

Women's Health and Genetics/Laboratory Corporation of America, LabCorp
Classification: Likely benign. Last evaluated: 2023-10-23. Review status: criteria provided, single submitter. Criteria: LabCorp Variant Classification Summary - May 2015. Collection method: clinical testing. Allele origin: germline.

CeGaT Center for Human Genetics Tuebingen
Classification: Likely benign. Last evaluated: 2023-07-01. Review status: criteria provided, single submitter. Criteria: CeGaT Center For Human Genetics Tuebingen Variant Classification Criteria Version 2. Collection method: clinical testing. Allele origin: germline. Affected: yes. Observed: 3 variant alleles.
Comment: DSP: BP4, BP7

CHEO Genetics Diagnostic Laboratory, Children's Hospital of Eastern Ontario
Classification: Likely benign for Cardiomyopathy. Last evaluated: 2021-11-16. Review status: criteria provided, single submitter. Criteria: ACMG Guidelines, 2015. Collection method: clinical testing. Allele origin: germline.

Ambry Genetics
Classification: Likely benign for Cardiovascular phenotype. Last evaluated: 2019-10-16. Review status: criteria provided, single submitter. Criteria: Ambry Variant Classification Scheme 2023. Collection method: clinical testing. Allele origin: germline.

Color Diagnostics, LLC DBA Color Health
Classification: Likely benign for Cardiomyopathy. Last evaluated: 2018-10-22. Review status: criteria provided, single submitter. Criteria: ACMG Guidelines, 2015. Collection method: clinical testing. Allele origin: germline.

GeneDx
Classification: Likely benign. Last evaluated: 2018-01-12. Review status: criteria provided, single submitter. Criteria: GeneDx Variant Classification (06012015). Collection method: clinical testing. Allele origin: germline. Affected: yes.
Comment: This variant is considered likely benign or benign based on one or more of the following criteria: it is a conservative change, it occurs at a poorly conserved position in the protein, it is predicted to be benign by multiple in silico algorithms, and/or has population frequency not consistent with disease.

Clinical Genetics, Academic Medical Center
Classification: Benign. Review status: no assertion criteria provided. Collection method: clinical testing. Allele origin: germline. Affected: yes. Study: VKGL Data-share Consensus. Not counted in ClinVar's aggregate classification.

Genome Diagnostics Laboratory, University Medical Center Utrecht
Classification: Likely benign. Review status: no assertion criteria provided. Collection method: clinical testing. Allele origin: germline. Affected: yes. Study: VKGL Data-share Consensus. Not counted in ClinVar's aggregate classification.